The following is an entry in ClinVar:

NM_000751.3(CHRND):c.409G>A (p.Gly137Ser)

Gene: CHRND (cholinergic receptor nicotinic delta subunit; plus strand). Cytogenetic location: 2q37.1.
Variant type: single nucleotide variant.
Coding change: c.409G>A on transcript NM_000751.3 (MANE Select); coding-DNA position 409, G replaced by A.
Protein change: p.Gly137Ser; replaces glycine 137 with serine.
Molecular consequence: missense variant. On other transcripts: synonymous variant (1).
Genome position (GRCh38, 1-based): chr2:232,528,556, G>A. VCF-style: chr2-232528556-G-A. GRCh37 (hg19) VCF-style: chr2-233393266-G-A.
Other names: c.364G>A, p.Gly122Ser (NM_001256657.2); c.138G>A, p.Thr46= (NM_001311195.2); c.106G>A, p.Gly36Ser (NM_001311196.2); short protein forms G137S, G36S, G122S.
Identifiers: ClinVar variation 2195686 (VCV002195686.4), dbSNP rs748665935, ClinGen allele CA2168021.

ClinVar aggregate classification (germline): Uncertain significance (1 of 4 stars; one submission).

Conditions:
Lethal multiple pterygium syndrome (LMPS). Identifiers: Orphanet 33108, MedGen C1854678, MONDO:0009668, OMIM 253290.

Allele frequency attached by ClinVar (database versions not stated): gnomAD 0.00003; TOPMed 0.00003; ExAC 0.00004; gnomAD exomes 0.00012.
gnomAD v4.1: 173 of 1,613,882 alleles (0.011%); highest among the groups gnomAD compares: Middle Eastern, 0.016%; no homozygotes.

Submission:

Labcorp Genetics (formerly Invitae), Labcorp
Classification: Uncertain significance for Lethal multiple pterygium syndrome. Last evaluated: 2025-03-25. Review status: criteria provided, single submitter. Criteria: Invitae Variant Classification Sherloc (09022015). Collection method: clinical testing. Allele origin: germline.
Comment: This sequence change replaces glycine, which is neutral and non-polar, with serine, which is neutral and polar, at codon 137 of the CHRND protein (p.Gly137Ser). This variant is present in population databases (rs748665935, gnomAD 0.04%). This variant has not been reported in the literature in individuals affected with CHRND-related conditions. ClinVar contains an entry for this variant (Variation ID: 2195686). Invitae Evidence Modeling of protein sequence and biophysical properties (such as structural, functional, and spatial information, amino acid conservation, physicochemical variation, residue mobility, and thermodynamic stability) indicates that this missense variant is expected to disrupt CHRND protein function with a positive predictive value of 95%. In summary, the available evidence is currently insufficient to determine the role of this variant in disease. Therefore, it has been classified as a Variant of Uncertain Significance.